The following is an entry in ClinVar:

ClinVar aggregate classification (germline): Conflicting classifications of pathogenicity. Review status: criteria provided, conflicting classifications (1 of 4 stars). 10 submissions from 7 submitters: Uncertain significance (4); Likely benign (5). 1 of the submissions does not count toward it. Last evaluated 2026-04-24.

Conditions:
TNNI3-related disorder. Also called: TNNI3-related condition; TNNI3-related disorders.
Familial Hypertrophic Cardiomyopathy with Wolff-Parkinson-White Syndrome. Identifiers: MedGen CN239247.
Hypertrophic cardiomyopathy 7. Also called: CARDIOMYOPATHY, FAMILIAL HYPERTROPHIC, 7, MODIFIER OF; TNNI3-Related Familial Hypertrophic Cardiomyopathy; Familial hypertrophic cardiomyopathy 7. Identifiers: MedGen C1860752, MONDO:0013369, OMIM 613690.
Cardiomyopathy, familial restrictive, 1. Identifiers: Orphanet 75249, MedGen C1861861, MONDO:0007270, OMIM 115210.
Dilated cardiomyopathy 2A (CMD2A). Also called: CARDIOMYOPATHY, CONGESTIVE, AUTOSOMAL RECESSIVE; CARDIOMYOPATHY, DILATED, AUTOSOMAL RECESSIVE. Identifiers: Orphanet 154, MedGen C2678474, MONDO:0012746, OMIM 611880.
Hypertrophic cardiomyopathy. Also called: HYPERTROPHIC MYOCARDIOPATHY. Identifiers: Orphanet 217569, MedGen C0007194, MeSH D002312, MONDO:0005045, HP:0001639.

Allele frequency attached by ClinVar (database versions not stated): ExAC 0.00003; gnomAD exomes 0.00003; TOPMed 0.00003; gnomAD 0.00004; ESP Exome Variant Server 0.00008.
gnomAD v4.1: 49 of 1,613,728 alleles (0.003%); highest among the groups gnomAD compares: Middle Eastern, 0.016%; no homozygotes.

Submissions (10):

PreventionGenetics, part of Exact Sciences
Classification: Likely benign for TNNI3-related condition. Last evaluated: 2026-04-24. Review status: criteria provided, single submitter. Criteria: ACMG Guidelines, 2015. Collection method: clinical testing. Allele origin: germline.
Comment: This variant is classified as likely benign based on ACMG/AMP sequence variant interpretation guidelines (Richards et al. 2015 PMID: 25741868, with internal and published modifications).

Labcorp Genetics (formerly Invitae), Labcorp
Classification: Likely benign for Hypertrophic cardiomyopathy. Last evaluated: 2025-12-26. Review status: criteria provided, single submitter. Criteria: Invitae Variant Classification Sherloc (09022015). Collection method: clinical testing. Allele origin: germline.

Women's Health and Genetics/Laboratory Corporation of America, LabCorp
Classification: Likely benign. Last evaluated: 2025-04-29. Review status: criteria provided, single submitter. Criteria: LabCorp Variant Classification Summary - May 2015. Collection method: clinical testing. Allele origin: germline.
Comment: Variant summary: TNNI3 c.372+7C>T alters a non-conserved nucleotide located at a position not widely known to affect splicing. Consensus agreement among computation tools predict no significant impact on normal splicing. However, these predictions have yet to be confirmed by functional studies. The variant allele was found at a frequency of 2.8e-05 in 249120 control chromosomes. The available data on variant occurrences in the general population are insufficient to allow any conclusion about variant significance. c.372+7C>T has been reported in the literature in an individual affected with HCM without evidence for causality (Mogensen_2015). This report does not provide unequivocal conclusions about association of the variant with Cardiomyopathy. To our knowledge, no experimental evidence demonstrating an impact on protein function has been reported. The following publication has been ascertained in the context of this evaluation (PMID: 26440512). ClinVar contains an entry for this variant (Variation ID: 165519). Based on the evidence outlined above, the variant was classified as likely benign.

Blueprint Genetics
Classification: Likely benign. Last evaluated: 2023-08-24. Review status: criteria provided, single submitter. Criteria: ACMG Guidelines, 2015. Collection method: clinical testing. Allele origin: germline.

Illumina Laboratory Services, Illumina
Classification: Uncertain significance for Dilated cardiomyopathy 2A. Last evaluated: 2018-01-13. Review status: criteria provided, single submitter. Criteria: ICSL Variant Classification Criteria 13 December 2019. Collection method: clinical testing. Allele origin: germline.

Illumina Laboratory Services, Illumina
Classification: Uncertain significance for Familial Hypertrophic Cardiomyopathy with Wolff-Parkinson-White Syndrome. Last evaluated: 2018-01-13. Review status: criteria provided, single submitter. Criteria: ICSL Variant Classification Criteria 13 December 2019. Collection method: clinical testing. Allele origin: germline.

Illumina Laboratory Services, Illumina
Classification: Uncertain significance for Cardiomyopathy, familial restrictive, 1. Last evaluated: 2018-01-13. Review status: criteria provided, single submitter. Criteria: ICSL Variant Classification Criteria 13 December 2019. Collection method: clinical testing. Allele origin: germline.

Illumina Laboratory Services, Illumina
Classification: Uncertain significance for Hypertrophic cardiomyopathy 7. Last evaluated: 2018-01-13. Review status: criteria provided, single submitter. Criteria: ICSL Variant Classification Criteria 13 December 2019. Collection method: clinical testing. Allele origin: germline.

Laboratory for Molecular Medicine, Mass General Brigham Personalized Medicine
Classification: Likely benign. Last evaluated: 2012-04-12. Review status: criteria provided, single submitter. Criteria: LMM Criteria. Collection method: clinical testing. Allele origin: germline. Observed: 4 variant alleles.
Comment: proposed classification - variant undergoing re-assessment, contact laboratory

Cohesion Phenomics
Classification: Benign for Hypertrophic Cardiomyopathy. Last evaluated: 2022-09-27. Review status: no assertion criteria provided. Criteria: ACMG Guidelines, 2015. Collection method: clinical testing. Allele origin: germline. Affected: yes. Not counted in ClinVar's aggregate classification.

Literature cited by the submitters: PubMed 26440512 (cited by Women's Health and Genetics/Laboratory Corporation of America, LabCorp).

NM_000363.5(TNNI3):c.372+7C>T

Gene: TNNI3 (troponin I3, cardiac type; minus strand). Cytogenetic location: 19q13.42.
Variant type: single nucleotide variant.
Coding change: c.372+7C>T on transcript NM_000363.5 (MANE Select); 7 bases into the intron after coding-DNA position 372, C replaced by T.
Molecular consequence: intron variant.
Genome position (GRCh38, 1-based): chr19:55,154,734, G>A on the plus strand (C>T on the coding strand, the complement: TNNI3 is on the minus strand). VCF-style: chr19-55154734-G-A. GRCh37 (hg19) VCF-style: chr19-55666102-G-A.
Identifiers: ClinVar variation 165519 (VCV000165519.25), dbSNP rs367809676, ClinGen allele CA021562.